The following is an entry in ClinVar:

ClinVar aggregate classification (germline): Uncertain significance (1 of 4 stars; one submission).

Conditions:
Congenital neutropenia-myelofibrosis-nephromegaly syndrome. Also called: Severe congenital neutropenia 5, autosomal recessive. Identifiers: Orphanet 369852, MedGen C3809031, MONDO:0014118, OMIM 615285.

Allele frequency attached by ClinVar (database versions not stated): gnomAD 0.00001; TOPMed 0.00001; ExAC 0.00002; gnomAD exomes 0.00003; ESP Exome Variant Server 0.00015.
gnomAD v4.1: 46 of 1,613,414 alleles (0.0029%); highest among the groups gnomAD compares: Non-Finnish European, 0.0037%; no homozygotes.

Submission:

Labcorp Genetics (formerly Invitae), Labcorp
Classification: Uncertain significance for Congenital neutropenia-myelofibrosis-nephromegaly syndrome. Last evaluated: 2022-01-18. Review status: criteria provided, single submitter. Criteria: Invitae Variant Classification Sherloc (09022015). Collection method: clinical testing. Allele origin: germline.
Comment: This sequence change falls in intron 4 of the VPS45 gene. It does not directly change the encoded amino acid sequence of the VPS45 protein. This variant is present in population databases (rs377658130, gnomAD 0.004%). This variant has not been reported in the literature in individuals affected with VPS45-related conditions. Algorithms developed to predict the effect of sequence changes on RNA splicing suggest that this variant may create or strengthen a splice site. In summary, the available evidence is currently insufficient to determine the role of this variant in disease. Therefore, it has been classified as a Variant of Uncertain Significance.

NM_007259.5(VPS45):c.370-16G>A

Gene: VPS45 (vacuolar protein sorting 45 homolog; plus strand). Cytogenetic location: 1q21.2.
Variant type: single nucleotide variant.
Coding change: c.370-16G>A on transcript NM_007259.5 (MANE Select); 16 bases into the intron before coding-DNA position 370, G replaced by A.
Molecular consequence: intron variant.
Genome position (GRCh38, 1-based): chr1:150,076,900, G>A. VCF-style: chr1-150076900-G-A. GRCh37 (hg19) VCF-style: chr1-150048978-G-A.
Other names: c.261+588G>A (NM_001279353.2); c.262-16G>A (NM_001279354.2).
Identifiers: ClinVar variation 2140698 (VCV002140698.1), dbSNP rs377658130, ClinGen allele CA1073126.